The following is an entry in ClinVar:

NM_080425.4(GNAS):c.2069-5435G>A

Gene: GNAS (GNAS complex locus; plus strand). Cytogenetic location: 20q13.32.
Variant type: single nucleotide variant.
Coding change: c.2069-5435G>A on transcript NM_080425.4 (MANE Plus Clinical); 5435 bases into the intron before coding-DNA position 2069, G replaced by A.
Molecular consequence: intron variant.
Genome position (GRCh38, 1-based): chr20:58,890,177, G>A. VCF-style: chr20-58890177-G-A. GRCh37 (hg19) VCF-style: chr20-57465232-G-A.
Other names: c.*43-5435G>A (NM_016592.5); c.44-5435G>A (NM_001410912.1); c.-38-5435G>A (NM_001309861.2); c.*1-5435G>A (NM_001077490.3); c.2069-5435G>A (NM_001410913.1); c.*159-5435G>A (NM_001309883.1); c.-39+824G>A (NM_001438273.1, NM_001309840.2); c.-39+845G>A (NM_001439291.1, NM_001438274.1).
Identifiers: ClinVar variation 2652443 (VCV002652443.22), dbSNP rs1018816947, ClinGen allele CA316318713.

ClinVar aggregate classification (germline): Likely benign (1 of 4 stars; one submission).

gnomAD v4.1: 11 of 151,636 alleles (0.0073%); highest among the groups gnomAD compares: East Asian, 0.019%; no homozygotes.

Submission:

CeGaT Center for Human Genetics Tuebingen
Classification: Likely benign. Last evaluated: 2023-07-01. Review status: criteria provided, single submitter. Criteria: CeGaT Center For Human Genetics Tuebingen Variant Classification Criteria Version 2. Collection method: clinical testing. Allele origin: germline. Affected: yes. Observed: 1 variant allele.
Comment: GNAS: BP4, BP7